The following is an entry in ClinVar:

NM_001613.4(ACTA2):c.170G>T (p.Gly57Val)

Gene: ACTA2 (actin alpha 2, smooth muscle; minus strand). Cytogenetic location: 10q23.31.
Variant type: single nucleotide variant.
Coding change: c.170G>T on transcript NM_001613.4 (MANE Select); coding-DNA position 170, G replaced by T.
Protein change: p.Gly57Val; replaces glycine 57 with valine.
Molecular consequence: missense variant.
Genome position (GRCh38, 1-based): chr10:88,947,346, C>A on the plus strand (G>T on the coding strand, the complement: ACTA2 is on the minus strand). VCF-style: chr10-88947346-C-A. GRCh37 (hg19) VCF-style: chr10-90707103-C-A.
Other names: c.170G>T, p.Gly57Val (NM_001141945.3, NM_001320855.2, NM_001406462.1 and 4 more transcripts); short protein forms G57V.
Identifiers: ClinVar variation 571177 (VCV000571177.9), dbSNP rs1564647168, ClinGen allele CA377513474.

ClinVar aggregate classification (germline): Uncertain significance. Review status: criteria provided, multiple submitters, no conflicts (2 of 4 stars). 2 submissions from 2 submitters: Uncertain significance (2). Last evaluated 2019-10-07.

Conditions:
Aortic aneurysm, familial thoracic 6 (AAT6). Also called: FAMILIAL THORACIC AORTIC ANEURYSM WITH LIVEDO RETICULARIS AND IRIS FLOCCULI. Identifiers: MedGen C2673186, MONDO:0012730, OMIM 611788.

Submissions (2):

ARUP Laboratories, Molecular Genetics and Genomics, ARUP Laboratories
Classification: Uncertain significance. Last evaluated: 2019-10-07. Review status: criteria provided, single submitter. Criteria: ARUP Molecular Germline Variant Investigation Process. Collection method: clinical testing. Allele origin: germline.
Comment: The ACTA2 c.170G>T; p.Gly57Val variant, to our knowledge, is not reported in the medical literature but is reported in ClinVar (Variation ID: 571177). This variant is absent from general population databases (Exome Variant Server, Genome Aggregation Database), indicating it is not a common polymorphism. The glycine at codon 57 is highly conserved, and computational analyses (SIFT, PolyPhen-2) predict that this variant is deleterious. Due to limited information, the clinical significance of the p.Gly57Val variant is uncertain at this time.

Labcorp Genetics (formerly Invitae), Labcorp
Classification: Uncertain significance for Aortic aneurysm, familial thoracic 6. Last evaluated: 2018-01-19. Review status: criteria provided, single submitter. Criteria: Invitae Variant Classification Sherloc (09022015). Collection method: clinical testing. Allele origin: germline.
Comment: This sequence change replaces glycine with valine at codon 57 of the ACTA2 protein (p.Gly57Val). The glycine residue is highly conserved and there is a moderate physicochemical difference between glycine and valine. This variant is not present in population databases (ExAC no frequency). This variant has not been reported in the literature in individuals with ACTA2-related disease. Algorithms developed to predict the effect of missense changes on protein structure and function (SIFT, PolyPhen-2, Align-GVGD) all suggest that this variant is likely to be disruptive, but these predictions have not been confirmed by published functional studies and their clinical significance is uncertain. In summary, the available evidence is currently insufficient to determine the role of this variant in disease. Therefore, it has been classified as a Variant of Uncertain Significance.